The following is an entry in ClinVar:

NM_001127208.3(TET2):c.2290del (p.Gln764fs)

Genes: TET2 (tet methylcytosine dioxygenase 2; plus strand), TET2-AS1 (TET2 antisense RNA 1; minus strand). Cytogenetic location: 4q24.
Variant type: Deletion.
Coding change: c.2290del on transcript NM_001127208.3 (MANE Select); coding-DNA position 2290, one base deleted (C; older notation c.2290delC).
Protein change: p.Gln764fs; shifts the reading frame from glutamine 764.
Molecular consequence: frameshift variant.
Genome position (GRCh38, 1-based): chr4:105,236,232, C deleted; the last of 5 consecutive C bases (chr4:105,236,228-105,236,232); deleting any one gives the same sequence. VCF-style (leftmost placement, unchanged base first): chr4-105236227-AC-A. GRCh37 (hg19) VCF-style: chr4-106157384-AC-A.
Other names: c.2290del, p.Gln764fs (NM_017628.4); short protein forms Q764fs.
Identifiers: ClinVar variation 2014909 (VCV002014909.4), dbSNP rs780857558, ClinGen allele CA1066302584.
Genomic context (GRCh38, chr4:105,236,227, plus strand): 5'-AGCAACAGCAGCAAAAATTACAAATAAAGAATAAAGAGGAAATACTCCAGACTTTTCCTC[AC>A]CCCCAAAGCAACAATGATCAGCAAAGAGAAGGATCATTCTTTGGCCAGACTAAAGTGGAA-3'

ClinVar aggregate classification (germline): Pathogenic (1 of 4 stars; one submission).

Submission:

Labcorp Genetics (formerly Invitae), Labcorp
Classification: Pathogenic. Last evaluated: 2024-02-23. Review status: criteria provided, single submitter. Criteria: Invitae Variant Classification Sherloc (09022015). Collection method: clinical testing. Allele origin: germline.
Comment: This sequence change creates a premature translational stop signal (p.Gln764Lysfs*49) in the TET2 gene. It is expected to result in an absent or disrupted protein product. Loss-of-function variants in TET2 are known to be pathogenic (PMID: 36066697). This variant is not present in population databases (gnomAD no frequency). This variant has not been reported in the literature in individuals affected with TET2-related conditions. ClinVar contains an entry for this variant (Variation ID: 2014909). For these reasons, this variant has been classified as Pathogenic.

Literature cited by the submitters: PubMed 36066697.